The following is an entry in ClinVar:

NM_032444.4(SLX4):c.1406dup (p.Leu470fs)

Gene: SLX4 (SLX4 structure-specific endonuclease subunit; minus strand). Cytogenetic location: 16p13.3.
Variant type: Duplication.
Coding change: c.1406dup on transcript NM_032444.4 (MANE Select); coding-DNA position 1406, one base duplicated (C; older notation c.1406dupC).
Protein change: p.Leu470fs; shifts the reading frame from leucine 470.
Molecular consequence: frameshift variant.
Genome position (GRCh38, 1-based): chr16:3,597,656, G duplicated on the plus strand (C on the coding strand, the reverse complement: SLX4 is on the minus strand); the first of 7 consecutive G bases (chr16:3,597,656-3,597,662); duplicating any one gives the same sequence. VCF-style (leftmost placement, unchanged base first): chr16-3597655-T-TG. GRCh37 (hg19) VCF-style: chr16-3647656-T-TG.
Other names: short protein forms L470fs.
Identifiers: ClinVar variation 2163057 (VCV002163057.4), dbSNP rs774532876, ClinGen allele CA620714047.
Genomic context (GRCh38, chr16:3,597,655, plus strand): 5'-CAGGGCCACACGGTCCTCTATCTGTCGGCCTGTGGTTTCAGAGTCCTGGACTAACAACAA[T>TG]GGGGGGGATACCGGGGGTTTCTTCTTGCGACTTTTATTCTCTAGAGAGAAACAAAAGCGA-3'

ClinVar aggregate classification (germline): Pathogenic (1 of 4 stars; one submission).

Conditions:
Fanconi anemia (FA). Also called: Fanconi's anemia. Identifiers: Orphanet 84, MedGen C0015625, MeSH D005199, MONDO:0019391.

Submission:

Labcorp Genetics (formerly Invitae), Labcorp
Classification: Pathogenic for Fanconi anemia. Last evaluated: 2025-10-23. Review status: criteria provided, single submitter. Criteria: Invitae Variant Classification Sherloc (09022015). Collection method: clinical testing. Allele origin: germline.
Comment: This sequence change creates a premature translational stop signal (p.Leu470Ilefs*8) in the SLX4 gene. It is expected to result in an absent or disrupted protein product. Loss-of-function variants in SLX4 are known to be pathogenic (PMID: 21240277). The frequency data for this variant in the population databases is considered unreliable, as metrics indicate poor data quality at this position in the gnomAD database. This variant has not been reported in the literature in individuals affected with SLX4-related conditions. ClinVar contains an entry for this variant (Variation ID: 2163057). For these reasons, this variant has been classified as Pathogenic.

Literature cited by the submitters: PubMed 21240277.